The following is an entry in ClinVar:

ClinVar aggregate classification (germline): Likely benign (1 of 4 stars; one submission).

gnomAD v4.1: 3 of 1,576,698 alleles (0.00019%); highest among the groups gnomAD compares: Admixed American, 0.0018%; no homozygotes.

Submission:

CeGaT Center for Human Genetics Tuebingen
Classification: Likely benign. Last evaluated: 2026-07-01. Review status: criteria provided, single submitter. Criteria: CeGaT Center For Human Genetics Tuebingen Variant Classification Criteria Version 2. Collection method: clinical testing. Allele origin: germline. Affected: yes. Observed: 1 variant allele.
Comment: KCNK3: BP4

NM_002246.3(KCNK3):c.780C>T (p.His260=)

Gene: KCNK3 (potassium two pore domain channel subfamily K member 3; plus strand). Cytogenetic location: 2p23.3.
Variant type: single nucleotide variant.
Coding change: c.780C>T on transcript NM_002246.3 (MANE Select); coding-DNA position 780, C replaced by T.
Protein change: p.His260=; no amino-acid change (histidine 260 retained).
Molecular consequence: synonymous variant.
Genome position (GRCh38, 1-based): chr2:26,728,163, C>T. VCF-style: chr2-26728163-C-T. GRCh37 (hg19) VCF-style: chr2-26951031-C-T.
Identifiers: ClinVar variation 5039877 (VCV005039877.1).